The following is an entry in ClinVar:

NM_005257.6(GATA6):c.1106C>T (p.Pro369Leu)

Gene: GATA6 (GATA binding protein 6; plus strand). Cytogenetic location: 18q11.2.
Variant type: single nucleotide variant.
Coding change: c.1106C>T on transcript NM_005257.6 (MANE Select); coding-DNA position 1106, C replaced by T.
Protein change: p.Pro369Leu; replaces proline 369 with leucine.
Molecular consequence: missense variant.
Genome position (GRCh38, 1-based): chr18:22,172,250, C>T. VCF-style: chr18-22172250-C-T. GRCh37 (hg19) VCF-style: chr18-19752211-C-T.
Other names: short protein forms P369L.
Identifiers: ClinVar variation 4739647 (VCV004739647.1).

ClinVar aggregate classification (germline): Uncertain significance (1 of 4 stars; one submission).

Conditions:
Atrioventricular septal defect 5 (AVSD5). Identifiers: MedGen C3280939, MONDO:0013769, OMIM 614474.

gnomAD v4.1: 6 of 1,533,664 alleles (0.00039%); highest among the groups gnomAD compares: Non-Finnish European, 0.00052%; no homozygotes.

Submission:

Labcorp Genetics (formerly Invitae), Labcorp
Classification: Uncertain significance for Atrioventricular septal defect 5. Last evaluated: 2025-12-02. Review status: criteria provided, single submitter. Criteria: Invitae Variant Classification Sherloc (09022015). Collection method: clinical testing. Allele origin: germline.
Comment: This sequence change replaces proline, which is neutral and non-polar, with leucine, which is neutral and non-polar, at codon 369 of the GATA6 protein (p.Pro369Leu). This variant is not present in population databases (gnomAD no frequency). This variant has not been reported in the literature in individuals affected with GATA6-related conditions. Invitae Evidence Modeling of protein sequence and biophysical properties (such as structural, functional, and spatial information, amino acid conservation, physicochemical variation, residue mobility, and thermodynamic stability) indicates that this missense variant is not expected to disrupt GATA6 protein function with a negative predictive value of 80%. In summary, the available evidence is currently insufficient to determine the role of this variant in disease. Therefore, it has been classified as a Variant of Uncertain Significance.